The following is an entry in ClinVar:

NC_000013.11:g.(?_100111831)_(100112071_?)del

Gene: PCCA (propionyl-CoA carboxylase subunit alpha; plus strand). Cytogenetic location: 13q32.3.
Variant type: Deletion.
Identifiers: ClinVar variation 650185 (VCV000650185.1).

ClinVar aggregate classification (germline): Pathogenic (1 of 4 stars; one submission).

Conditions:
Propionic acidemia (PROP). Also called: GLYCINEMIA, KETOTIC; HYPERGLYCINEMIA WITH KETOACIDOSIS AND LEUKOPENIA; KETOTIC HYPERGLYCINEMIA. Identifiers: Orphanet 35, MedGen C0268579, MONDO:0011628, OMIM 606054, HP:0003571.

Submission:

Labcorp Genetics (formerly Invitae), Labcorp
Classification: Pathogenic for Propionyl-CoA carboxylase deficiency. Last evaluated: 2018-09-05. Review status: criteria provided, single submitter. Criteria: Invitae Variant Classification Sherloc (09022015). Collection method: clinical testing. Allele origin: germline.
Comment: This variant is an in-frame deletion of the genomic region encompassing exons 3-4 of the PCCA gene. It preserves the integrity of the reading frame. This variant has been observed in individuals affected with propionic acidemia (PMID: 19157943, 22033733). Experimental studies have shown that this in-frame deletion change results a PCCA protein will null enzymatic activity (PMID: 19157943, 22033733). For these reasons, this variant has been classified as Pathogenic.

Literature cited by the submitters: PubMed 19157943; PubMed 22033733.